The following is an entry in ClinVar:

ClinVar aggregate classification (germline): Uncertain significance (1 of 4 stars; one submission).

Conditions:
MAGEL2-related disorder. Also called: MAGEL2-related condition.

gnomAD v4.1: 5 of 1,487,918 alleles (0.00034%); highest among the groups gnomAD compares: South Asian, 0.0013%; no homozygotes.

Submission:

PreventionGenetics, part of Exact Sciences
Classification: Uncertain significance for MAGEL2-related condition. Last evaluated: 2026-09-10. Review status: criteria provided, single submitter. Criteria: ACMG Guidelines, 2015. Collection method: clinical testing. Allele origin: germline.
Comment: The MAGEL2 c.41C>T variant is predicted to result in the amino acid substitution p.Pro14Leu. To our knowledge, this variant has not been reported in the literature. This variant is reported in 0.0% of alleles in individuals of African descent in gnomAD. Although we suspect that this variant may be benign, at this time, the clinical significance of this variant is uncertain due to the absence of conclusive functional and genetic evidence.

NM_019066.5(MAGEL2):c.41C>T (p.Pro14Leu)

Gene: MAGEL2 (MAGE family member L2; minus strand). Cytogenetic location: 15q11.2.
Variant type: single nucleotide variant.
Coding change: c.41C>T on transcript NM_019066.5 (MANE Select); coding-DNA position 41, C replaced by T.
Protein change: p.Pro14Leu; replaces proline 14 with leucine.
Molecular consequence: missense variant.
Genome position (GRCh38, 1-based): chr15:23,647,702, G>A on the plus strand (C>T on the coding strand, the complement: MAGEL2 is on the minus strand). VCF-style: chr15-23647702-G-A. GRCh37 (hg19) VCF-style: chr15-23892849-G-A.
Other names: short protein forms P14L.
Identifiers: ClinVar variation 3357741 (VCV003357741.2).